The following is an entry in ClinVar:

ClinVar aggregate classification (germline): Uncertain significance (1 of 4 stars; one submission).

Conditions:
Maple syrup urine disease (MSUD). Identifiers: Orphanet 511, MedGen C0024776, MeSH D008375, MONDO:0009563. Disease mechanism: loss of function.

Allele frequency attached by ClinVar (database versions not stated): gnomAD exomes below 0.00001; gnomAD 0.00001; TOPMed 0.00001.

Submission:

Labcorp Genetics (formerly Invitae), Labcorp
Classification: Uncertain significance for Maple syrup urine disease. Last evaluated: 2025-10-13. Review status: criteria provided, single submitter. Criteria: Invitae Variant Classification Sherloc (09022015). Collection method: clinical testing. Allele origin: germline.
Comment: This sequence change replaces leucine, which is neutral and non-polar, with phenylalanine, which is neutral and non-polar, at codon 391 of the DBT protein (p.Leu391Phe). This variant is present in population databases (no rsID available, gnomAD 0.1%). This variant has not been reported in the literature in individuals affected with DBT-related conditions. ClinVar contains an entry for this variant (Variation ID: 967833). Invitae Evidence Modeling of protein sequence and biophysical properties (such as structural, functional, and spatial information, amino acid conservation, physicochemical variation, residue mobility, and thermodynamic stability) has been performed for this missense variant. However, the output from this modeling did not meet the statistical confidence thresholds required to predict the impact of this variant on DBT protein function. In summary, the available evidence is currently insufficient to determine the role of this variant in disease. Therefore, it has been classified as a Variant of Uncertain Significance.

NM_001918.5(DBT):c.1171C>T (p.Leu391Phe)

Gene: DBT (dihydrolipoamide branched chain transacylase E2; minus strand). Cytogenetic location: 1p21.2.
Variant type: single nucleotide variant.
Coding change: c.1171C>T on transcript NM_001918.5 (MANE Select); coding-DNA position 1171, C replaced by T.
Protein change: p.Leu391Phe; replaces leucine 391 with phenylalanine.
Molecular consequence: missense variant.
Genome position (GRCh38, 1-based): chr1:100,206,483, G>A on the plus strand (C>T on the coding strand, the complement: DBT is on the minus strand). VCF-style: chr1-100206483-G-A. GRCh37 (hg19) VCF-style: chr1-100672039-G-A.
Other names: short protein forms L391F.
Identifiers: ClinVar variation 967833 (VCV000967833.6), dbSNP rs1339599491, ClinGen allele CA341330496.
Genomic context (GRCh38, chr1:100,206,483, plus strand): 5'-GTATTTCAACATTATTACTCACTGATCCAATGTTGGAAAGAGTAAATGTTCCTCCTGTAA[G>A]ATCAGTGGTGCTGAGCTGACTCACAGAGCCCAATTTCTGGAGGCGGTTCAGTTCAGTGGC-3'
Protein context (NP_001909.4, residues 381-401): GSVSQLSTTD[Leu391Phe]TGGTFTLSNI